The following is an entry in ClinVar:

NM_000018.4(ACADVL):c.676del (p.Ala226fs)

Gene: ACADVL (acyl-CoA dehydrogenase very long chain; plus strand). Cytogenetic location: 17p13.1.
Variant type: Deletion.
Coding change: c.676del on transcript NM_000018.4 (MANE Select); coding-DNA position 676, one base deleted (G; older notation c.676delG).
Protein change: p.Ala226fs; shifts the reading frame from alanine 226.
Molecular consequence: frameshift variant.
Genome position (GRCh38, 1-based): chr17:7,222,005, G deleted. VCF-style (leftmost placement, unchanged base first): chr17-7222004-AG-A. GRCh37 (hg19) VCF-style: chr17-7125323-AG-A.
Other names: c.676del (NM_000018.3); c.610del, p.Ala204fs (NM_001033859.3); c.745del, p.Ala249fs (NM_001270447.2); c.448del, p.Ala150fs (NM_001270448.2); short protein forms A150fs, A226fs, A204fs, A249fs.
Identifiers: ClinVar variation 932877 (VCV000932877.5), dbSNP rs2071254166, ClinGen allele CA1139665141.

ClinVar aggregate classification (germline): Pathogenic/Likely pathogenic. Review status: criteria provided, multiple submitters, no conflicts (2 of 4 stars). 4 submissions from 4 submitters: Pathogenic (1); Likely pathogenic (3). Last evaluated 2024-08-20.

Conditions:
Very long chain acyl-CoA dehydrogenase deficiency (ACADVLD). Also called: VLCAD Deficiency; Very Long-Chain Acyl-Coenzyme A Dehydrogenase Deficiency. Identifiers: Orphanet 26793, MedGen C3887523, MONDO:0008723, OMIM 201475.

Submissions (4):

Natera, Inc.
Classification: Likely pathogenic for Very long chain acyl-CoA dehydrogenase deficiency. Last evaluated: 2024-08-20. Review status: criteria provided, single submitter. Criteria: Natera Variant Classification Schema (03/2026). Collection method: clinical testing. Allele origin: germline.
Comment: The c.676del variant in ACADVL is a frameshift variant predicted to shift the reading frame beginning at codon 226 and leads to a stop codon 30 codons downstream. This variant is expected to result in nonsense mediated decay, truncation, or a dysfunctional protein product. This variant is rare in the general population with a frequency below the threshold expected for the associated phenotype(s). Given the available evidence, this variant is classified as Likely Pathogenic.

Myriad Genetics, Inc.
Classification: Pathogenic for Very long chain acyl-CoA dehydrogenase deficiency. Last evaluated: 2024-05-08. Review status: criteria provided, single submitter. Criteria: Myriad Autosomal Dominant, Autosomal Recessive and X-Linked Classification Criteria (2023). Collection method: clinical testing. Allele origin: unknown.
Comment: NM_000018.3(ACADVL):c.676delG(A226Pfs*30) is expected to be pathogenic in the context of very-long-chain acyl-CoA dehydrogenase deficiency. This variant is predicted to lead to an abnormal or absent protein product due to the creation of a premature termination codon in ACADVL, a gene where loss-of-function variants are known to be pathogenic. Please note: this variant was assessed in the context of healthy population screening.

Baylor Genetics
Classification: Likely pathogenic for Very long chain acyl-CoA dehydrogenase deficiency. Last evaluated: 2024-02-18. Review status: criteria provided, single submitter. Criteria: ACMG Guidelines, 2015. Collection method: clinical testing. Allele origin: unknown.

Wong Mito Lab, Molecular and Human Genetics, Baylor College of Medicine
Classification: Likely pathogenic for Very long chain acyl-CoA dehydrogenase deficiency. Last evaluated: 2019-11-01. Review status: criteria provided, single submitter. Criteria: ACMG Guidelines, 2015. Collection method: clinical testing. Allele origin: germline.
Comment: The NM_000018.3:c.676delG (NP_000009.1:p.Ala226ProfsTer30) [GRCH38: NC_000017.11:g.7222005del] variant in ACADVL gene is interpretated to be Likely pathogenic based on ACMG guidelines (PMID: 25741868). This variant has been reported. This variant meets the following evidence codes reported in the ACMG guidelines: PVS1, PM1